The following is an entry in ClinVar:

ClinVar aggregate classification (germline): Uncertain significance (1 of 4 stars; one submission).

Submission:

GeneDx
Classification: Uncertain significance. Last evaluated: 2024-01-31. Review status: criteria provided, single submitter. Criteria: GeneDx Variant Classification Process June 2021. Collection method: clinical testing. Allele origin: germline. Affected: yes.
Comment: Not observed at significant frequency in large population cohorts (gnomAD); In silico analysis supports that this missense variant does not alter protein structure/function; Has not been previously published as pathogenic or benign to our knowledge

NM_000132.4(F8):c.4826C>T (p.Thr1609Ile)

Gene: F8 (coagulation factor VIII; minus strand). Cytogenetic location: Xq28.
Variant type: single nucleotide variant.
Coding change: c.4826C>T on transcript NM_000132.4 (MANE Select); coding-DNA position 4826, C replaced by T.
Protein change: p.Thr1609Ile; replaces threonine 1609 with isoleucine.
Molecular consequence: missense variant.
Genome position (GRCh38, 1-based): chrX:154,928,964, G>A on the plus strand (C>T on the coding strand, the complement: F8 is on the minus strand). VCF-style: chrX-154928964-G-A. GRCh37 (hg19) VCF-style: chrX-154157239-G-A.
Other names: short protein forms T1609I.
Identifiers: ClinVar variation 3368419 (VCV003368419.1).